The following is an entry in ClinVar:

NM_022114.4(PRDM16):c.2502C>T (p.Gly834=)

Gene: PRDM16 (PR/SET domain 16; plus strand). Cytogenetic location: 1p36.32.
Variant type: single nucleotide variant.
Coding change: c.2502C>T on transcript NM_022114.4 (MANE Select); coding-DNA position 2502, C replaced by T.
Protein change: p.Gly834=; no amino-acid change (glycine 834 retained).
Molecular consequence: synonymous variant.
Genome position (GRCh38, 1-based): chr1:3,412,699, C>T. VCF-style: chr1-3412699-C-T. GRCh37 (hg19) VCF-style: chr1-3329263-C-T.
Other names: p.Gly834=; c.2502C>T, p.Gly834= (NM_199454.3).
Identifiers: ClinVar variation 227029 (VCV000227029.19), dbSNP rs115226069, ClinGen allele CA544491.

ClinVar aggregate classification (germline): Benign. Review status: criteria provided, multiple submitters, no conflicts (2 of 4 stars). 8 submissions from 8 submitters: Benign (6). 2 of the submissions do not count toward it. Last evaluated 2026-02-02.

Conditions:
Left ventricular noncompaction 8 (LVNC8). Identifiers: Orphanet 154, Orphanet 54260, MedGen C3809288, MONDO:0014152, OMIM 615373.

Allele frequency attached by ClinVar (database versions not stated): gnomAD exomes 0.02705; ESP Exome Variant Server 0.03922; gnomAD 0.04300 and 0.04338; TOPMed 0.04467; 1000 Genomes Project 0.05371; 1000 Genomes Project 30x 0.05575; ExAC 0.08409.
gnomAD v4.1: 35,873 of 1,493,972 alleles (2.4%); highest among the groups gnomAD compares: African/African-American, 10%; 767 homozygotes.

Submissions (8):

Labcorp Genetics (formerly Invitae), Labcorp
Classification: Benign for Left ventricular noncompaction 8. Last evaluated: 2026-02-02. Review status: criteria provided, single submitter. Criteria: Invitae Variant Classification Sherloc (09022015). Collection method: clinical testing. Allele origin: germline.

Women's Health and Genetics/Laboratory Corporation of America, LabCorp
Classification: Benign. Last evaluated: 2023-04-10. Review status: criteria provided, single submitter. Criteria: LabCorp Variant Classification Summary - May 2015. Collection method: clinical testing. Allele origin: germline.

Mayo Clinic Laboratories, Mayo Clinic
Classification: Benign. Last evaluated: 2022-04-26. Review status: criteria provided, single submitter. Criteria: ACMG Guidelines, 2015. Collection method: clinical testing. Allele origin: germline. Observed: 49 variant alleles.

GeneDx
Classification: Benign. Last evaluated: 2016-10-06. Review status: criteria provided, single submitter. Criteria: GeneDx Variant Classification (06012015). Collection method: clinical testing. Allele origin: germline. Affected: yes.
Comment: This variant is considered likely benign or benign based on one or more of the following criteria: it is a conservative change, it occurs at a poorly conserved position in the protein, it is predicted to be benign by multiple in silico algorithms, and/or has population frequency not consistent with disease.

Laboratory for Molecular Medicine, Mass General Brigham Personalized Medicine
Classification: Benign. Last evaluated: 2014-11-24. Review status: criteria provided, single submitter. Criteria: LMM Criteria. Collection method: clinical testing. Allele origin: germline. Observed: 36 variant alleles.
Comment: p.Gly834Gly in exon 9 of PRDM16: This variant is not expected to have clinical s ignificance because it has been identified in 9.1% (303/3320) of African America n chromosomes from a broad population by the NHLBI Exome Sequencing Project (dbSNP rs115226069).

Breakthrough Genomics
Classification: Benign. Review status: criteria provided, single submitter. Criteria: ACMG Guidelines, 2015. Collection method: not provided. Allele origin: germline. Inheritance: Autosomal dominant inheritance. Affected: yes.

Clinical Genetics DNA and cytogenetics Diagnostics Lab, Erasmus MC, Erasmus Medical Center
Classification: Benign. Review status: no assertion criteria provided. Collection method: clinical testing. Allele origin: germline. Affected: yes. Study: VKGL Data-share Consensus. Not counted in ClinVar's aggregate classification.

Clinical Genetics, Academic Medical Center
Classification: Benign. Review status: no assertion criteria provided. Collection method: clinical testing. Allele origin: germline. Affected: yes. Study: VKGL Data-share Consensus. Not counted in ClinVar's aggregate classification.